The following is an entry in ClinVar:

ClinVar aggregate classification (germline): Uncertain significance. Review status: criteria provided, multiple submitters, no conflicts (2 of 4 stars). 3 submissions from 3 submitters: Uncertain significance (2). 1 of the submissions does not count toward it. Last evaluated 2022-08-09.

Conditions:
Autosomal recessive limb-girdle muscular dystrophy type 2A (LGMDR1). Also called: LEYDEN-MOEBIUS MUSCULAR DYSTROPHY; MUSCULAR DYSTROPHY, PELVOFEMORAL; Limb-girdle muscular dystrophy, type 2A; Calpainopathy; Muscular dystrophy, limb-girdle, type 2A, Amish. Identifiers: Orphanet 267, MedGen C1869123, MONDO:0009675, OMIM 253600. Disease mechanism: loss of function.

Allele frequency attached by ClinVar (database versions not stated): gnomAD 0.00001 and 0.00004; TOPMed 0.00001; gnomAD exomes 0.00002 and 0.00005; ExAC 0.00007.

Submissions (3):

Labcorp Genetics (formerly Invitae), Labcorp
Classification: Uncertain significance for Autosomal recessive limb-girdle muscular dystrophy type 2A. Last evaluated: 2022-08-09. Review status: criteria provided, single submitter. Criteria: Invitae Variant Classification Sherloc (09022015). Collection method: clinical testing. Allele origin: germline.
Comment: This sequence change replaces isoleucine, which is neutral and non-polar, with valine, which is neutral and non-polar, at codon 502 of the CAPN3 protein (p.Ile502Val). This variant is present in population databases (rs755433765, gnomAD 0.04%). This variant has not been reported in the literature in individuals affected with CAPN3-related conditions. ClinVar contains an entry for this variant (Variation ID: 468643). Algorithms developed to predict the effect of missense changes on protein structure and function are either unavailable or do not agree on the potential impact of this missense change (SIFT: "Deleterious"; PolyPhen-2: "Benign"; Align-GVGD: "Class C0"). This variant disrupts the p.Ile502 amino acid residue in CAPN3. Other variant(s) that disrupt this residue have been determined to be pathogenic (PMID: 10330340, 26810512, 30919934; Invitae). This suggests that this residue is clinically significant, and that variants that disrupt this residue are likely to be disease-causing. In summary, the available evidence is currently insufficient to determine the role of this variant in disease. Therefore, it has been classified as a Variant of Uncertain Significance.

Foundation for Research in Genetics and Endocrinology, FRIGE's Institute of Human Genetics
Classification: Uncertain significance for Autosomal recessive limb-girdle muscular dystrophy type 2A. Last evaluated: 2022-05-13. Review status: criteria provided, single submitter. Criteria: ACMG Guidelines, 2015. Collection method: clinical testing. Allele origin: germline. Inheritance: Autosomal recessive inheritance. Affected: yes. Observed: 1 heterozygote.
Comment: A Heterozygous missense variation in exon 11 of CAPN3 gene that result in the amino acid substitution of valine for Isoleucine at codon 502 was detected. Observed variant was previously reported in patient affected with limb-girdle muscular dystrophy This variant has not been reported in the 1000 genomes, and has a MAF of 0.003% in the gnomAD database. The in silico prediction of variant is damaging by PolyPhen-2 (HumDiv). In summary, the variant meets our criteria to be classified as a variant of uncertain significance.

Natera, Inc.
Classification: Uncertain significance for Limb-girdle muscular dystrophy type 2A. Last evaluated: 2019-10-28. Review status: no assertion criteria provided. Collection method: clinical testing. Allele origin: germline. Not counted in ClinVar's aggregate classification.

Literature cited by the submitters: PubMed 10330340 (cited by Labcorp Genetics (formerly Invitae), Labcorp); PubMed 26810512 (cited by Labcorp Genetics (formerly Invitae), Labcorp); PubMed 30919934 (cited by Labcorp Genetics (formerly Invitae), Labcorp).

NM_000070.3(CAPN3):c.1504A>G (p.Ile502Val)

Gene: CAPN3 (calpain 3; plus strand). Cytogenetic location: 15q15.1.
Variant type: single nucleotide variant.
Coding change: c.1504A>G on transcript NM_000070.3 (MANE Select); coding-DNA position 1504, A replaced by G.
Protein change: p.Ile502Val; replaces isoleucine 502 with valine.
Molecular consequence: missense variant.
Genome position (GRCh38, 1-based): chr15:42,401,790, A>G. VCF-style: chr15-42401790-A-G. GRCh37 (hg19) VCF-style: chr15-42693988-A-G.
Other names: p.Ile502Val; c.1504A>G, p.Ile502Val (NM_024344.2); c.1360A>G, p.Ile454Val (NM_173087.2); short protein forms I502V, I454V.
Identifiers: ClinVar variation 468643 (VCV000468643.10), dbSNP rs755433765, ClinGen allele CA7511374.
Genomic context (GRCh38, chr15:42,401,790, plus strand): 5'-GTGGCCCTGATGCAGAAGAACCGGCGGAAGGACCGGAAGCTAGGGGCCAGTCTCTTCACC[A>G]TTGGCTTCGCCATCTACGAGGTGTGCAGTCCTGATTGGCTCCAGCCCAGGAAACATACTT-3'
Protein context (NP_000061.1, residues 492-512): DRKLGASLFT[Ile502Val]GFAIYEVPKE